The following is an entry in ClinVar:

NM_000179.3(MSH6):c.1841C>G (p.Ser614Cys)

Gene: MSH6 (mutS homolog 6; plus strand). Cytogenetic location: 2p16.3.
Variant type: single nucleotide variant.
Coding change: c.1841C>G on transcript NM_000179.3 (MANE Select); coding-DNA position 1841, C replaced by G.
Protein change: p.Ser614Cys; replaces serine 614 with cysteine.
Molecular consequence: missense variant.
Genome position (GRCh38, 1-based): chr2:47,799,824, C>G. VCF-style: chr2-47799824-C-G. GRCh37 (hg19) VCF-style: chr2-48026963-C-G.
Other names: c.1451C>G, p.Ser484Cys (NM_001281492.2); c.935C>G, p.Ser312Cys (NM_001281493.2, NM_001281494.2); short protein forms S312C, S614C, S484C.
Identifiers: ClinVar variation 1516057 (VCV001516057.12), dbSNP rs1669381714, ClinGen allele CA346749616.
Genomic context (GRCh38, chr2:47,799,824, plus strand): 5'-TTTTATTTGAAAAAGGAAATCTCTCAAAGGAAACTAAAACAATTCTAAAGAGTTCATTGT[C>G]CTGTTCTCTTCAGGAAGGTCTGATACCCGGCTCCCAGTTTTGGGATGCATCCAAAACTTT-3'
Protein context (NP_000170.1, residues 604-624): ETKTILKSSL[Ser614Cys]CSLQEGLIPG

ClinVar aggregate classification (germline): Uncertain significance. Review status: criteria provided, multiple submitters, no conflicts (2 of 4 stars). 3 submissions from 3 submitters: Uncertain significance (3). Last evaluated 2025-09-25.

Conditions:
Hereditary nonpolyposis colorectal neoplasms. Identifiers: MedGen C0009405, MeSH D003123.
Hereditary cancer-predisposing syndrome. Also called: Tumor predisposition; Neoplastic Syndromes, Hereditary; Hereditary neoplastic syndrome; Hereditary Cancer Syndrome. Identifiers: Orphanet 140162, MedGen C0027672, MeSH D009386, MONDO:0015356.

Allele frequency attached by ClinVar (database versions not stated): gnomAD exomes below 0.00001.
gnomAD v4.1: 2 of 1,614,184 alleles (0.00012%); highest among the groups gnomAD compares: Non-Finnish European, 0.00017%; no homozygotes.

Submissions (3):

Ambry Genetics
Classification: Uncertain significance for Hereditary cancer-predisposing syndrome. Last evaluated: 2025-09-25. Review status: criteria provided, single submitter. Criteria: Ambry Variant Classification Scheme 2023. Collection method: clinical testing. Allele origin: germline.
Comment: The p.S614C variant (also known as c.1841C>G), located in coding exon 4 of the MSH6 gene, results from a C to G substitution at nucleotide position 1841. The serine at codon 614 is replaced by cysteine, an amino acid with dissimilar properties. This amino acid position is not well conserved in available vertebrate species. In addition, the in silico prediction for this alteration is inconclusive. Since supporting evidence is limited at this time, the clinical significance of this alteration remains unclear.

Labcorp Genetics (formerly Invitae), Labcorp
Classification: Uncertain significance for Hereditary nonpolyposis colorectal neoplasms. Last evaluated: 2024-04-16. Review status: criteria provided, single submitter. Criteria: Invitae Variant Classification Sherloc (09022015). Collection method: clinical testing. Allele origin: germline.
Comment: This sequence change replaces serine, which is neutral and polar, with cysteine, which is neutral and slightly polar, at codon 614 of the MSH6 protein (p.Ser614Cys). This variant is not present in population databases (gnomAD no frequency). This variant has not been reported in the literature in individuals affected with MSH6-related conditions. ClinVar contains an entry for this variant (Variation ID: 1516057). Advanced modeling of protein sequence and biophysical properties (such as structural, functional, and spatial information, amino acid conservation, physicochemical variation, residue mobility, and thermodynamic stability) performed at Invitae indicates that this missense variant is not expected to disrupt MSH6 protein function with a negative predictive value of 95%. In summary, the available evidence is currently insufficient to determine the role of this variant in disease. Therefore, it has been classified as a Variant of Uncertain Significance.

Color Diagnostics, LLC DBA Color Health
Classification: Uncertain significance for Hereditary cancer-predisposing syndrome. Last evaluated: 2024-03-06. Review status: criteria provided, single submitter. Criteria: ACMG Guidelines, 2015. Collection method: clinical testing. Allele origin: germline.
Comment: This missense variant replaces serine with cysteine at codon 614 of the MSH6 protein. Computational prediction is inconclusive regarding the impact of this variant on protein structure and function (internally defined REVEL score threshold 0.5 < inconclusive < 0.7, PMID: 27666373). To our knowledge, functional studies have not been reported for this variant. This variant has not been reported in individuals affected with hereditary cancer in the literature. This variant has not been identified in the general population by the Genome Aggregation Database (gnomAD). The available evidence is insufficient to determine the role of this variant in disease conclusively. Therefore, this variant is classified as a Variant of Uncertain Significance.